The following is an entry in ClinVar:

ClinVar aggregate classification (germline): Uncertain significance (1 of 4 stars; one submission).

Submission:

GeneDx
Classification: Uncertain significance. Last evaluated: 2026-02-21. Review status: criteria provided, single submitter. Criteria: GeneDx Variant Classification Process June 2021. Collection method: clinical testing. Allele origin: germline.
Comment: Not observed at significant frequency in large population cohorts (gnomAD); In silico analysis supports that this missense variant has a deleterious effect on protein structure/function; Has not been previously published as pathogenic or benign to our knowledge

NM_002430.3(MN1):c.2596G>A (p.Asp866Asn)

Gene: MN1 (MN1 proto-oncogene, transcriptional regulator; minus strand). Cytogenetic location: 22q12.1.
Variant type: single nucleotide variant.
Coding change: c.2596G>A on transcript NM_002430.3 (MANE Select); coding-DNA position 2596, G replaced by A.
Protein change: p.Asp866Asn; replaces aspartic acid 866 with asparagine.
Molecular consequence: missense variant.
Genome position (GRCh38, 1-based): chr22:27,797,948, C>T on the plus strand (G>A on the coding strand, the complement: MN1 is on the minus strand). VCF-style: chr22-27797948-C-T. GRCh37 (hg19) VCF-style: chr22-28193936-C-T.
Other names: short protein forms D866N.
Identifiers: ClinVar variation 5009777 (VCV005009777.1).